The following is an entry in ClinVar:

NM_145698.5(ACBD5):c.679A>G (p.Thr227Ala)

Gene: ACBD5 (acyl-CoA binding domain containing 5; minus strand). Cytogenetic location: 10p12.1.
Variant type: single nucleotide variant.
Coding change: c.679A>G on transcript NM_145698.5 (MANE Select); coding-DNA position 679, A replaced by G.
Protein change: p.Thr227Ala; replaces threonine 227 with alanine.
Molecular consequence: missense variant. On other transcripts: intron variant (6).
Genome position (GRCh38, 1-based): chr10:27,218,130, T>C on the plus strand (A>G on the coding strand, the complement: ACBD5 is on the minus strand). VCF-style: chr10-27218130-T-C. GRCh37 (hg19) VCF-style: chr10-27507059-T-C.
Other names: c.574A>G, p.Thr192Ala (NM_001042473.4, NM_001352577.2, NM_001352578.2 and 1 more transcripts); c.673A>G, p.Thr225Ala (NM_001271512.3); c.352A>G, p.Thr118Ala (NM_001301251.2, NM_001301252.2, NM_001301253.2 and 2 more transcripts); c.733A>G, p.Thr245Ala (NM_001352568.1); c.712A>G, p.Thr238Ala (NM_001352569.1); c.679A>G, p.Thr227Ala (NM_001352570.1); c.706A>G, p.Thr236Ala (NM_001352571.1); c.700A>G, p.Thr234Ala (NM_001352572.1); and 11 more; short protein forms T118A, T238A, T174A, T225A, T245A, T129A, T192A, T236A.
Identifiers: ClinVar variation 1401697 (VCV001401697.4), dbSNP rs2061881312, ClinGen allele CA376375609.

ClinVar aggregate classification (germline): Uncertain significance. Review status: criteria provided, multiple submitters, no conflicts (2 of 4 stars). 2 submissions from 2 submitters: Uncertain significance (2). Last evaluated 2025-04-13.

Conditions:
Inborn genetic diseases. Identifiers: MedGen C0950123, MeSH D030342.

Allele frequency attached by ClinVar (database versions not stated): TOPMed 0.00001.
gnomAD v4.1: 3 of 1,614,146 alleles (0.00019%); no homozygotes.

Submissions (2):

Ambry Genetics
Classification: Uncertain significance for Inborn genetic diseases. Last evaluated: 2025-04-13. Review status: criteria provided, single submitter. Criteria: Ambry Variant Classification Scheme 2023. Collection method: clinical testing. Allele origin: germline.

Labcorp Genetics (formerly Invitae), Labcorp
Classification: Uncertain significance. Last evaluated: 2022-02-10. Review status: criteria provided, single submitter. Criteria: Invitae Variant Classification Sherloc (09022015). Collection method: clinical testing. Allele origin: germline.
Comment: This sequence change replaces threonine, which is neutral and polar, with alanine, which is neutral and non-polar, at codon 227 of the ACBD5 protein (p.Thr227Ala). This variant is not present in population databases (gnomAD no frequency). This variant has not been reported in the literature in individuals affected with ACBD5-related conditions. Algorithms developed to predict the effect of missense changes on protein structure and function output the following: SIFT: "Tolerated"; PolyPhen-2: "Benign"; Align-GVGD: "Class C0". The alanine amino acid residue is found in multiple mammalian species, which suggests that this missense change does not adversely affect protein function. In summary, the available evidence is currently insufficient to determine the role of this variant in disease. Therefore, it has been classified as a Variant of Uncertain Significance.